The following is an entry in ClinVar:

NM_003924.4(PHOX2B):c.680C>A (p.Ala227Glu)

Gene: PHOX2B (paired like homeobox 2B; minus strand). Cytogenetic location: 4p13.
Variant type: single nucleotide variant.
Coding change: c.680C>A on transcript NM_003924.4 (MANE Select); coding-DNA position 680, C replaced by A.
Protein change: p.Ala227Glu; replaces alanine 227 with glutamic acid.
Molecular consequence: missense variant.
Genome position (GRCh38, 1-based): chr4:41,746,072, G>T on the plus strand (C>A on the coding strand, the complement: PHOX2B is on the minus strand). VCF-style: chr4-41746072-G-T. GRCh37 (hg19) VCF-style: chr4-41748089-G-T.
Other names: c.680C>A (NM_003924.3); short protein forms A227E.
Identifiers: ClinVar variation 1025895 (VCV001025895.7), dbSNP rs779913205, ClinGen allele CA2901453.

ClinVar aggregate classification (germline): Uncertain significance. Review status: criteria provided, multiple submitters, no conflicts (2 of 4 stars). 2 submissions from 2 submitters: Uncertain significance (2). Last evaluated 2024-11-26.

Conditions:
Hereditary cancer-predisposing syndrome. Also called: Neoplastic Syndromes, Hereditary; Tumor predisposition; Hereditary Cancer Syndrome; Hereditary neoplastic syndrome. Identifiers: Orphanet 140162, MedGen C0027672, MeSH D009386, MONDO:0015356.
Haddad syndrome (OHD). Also called: Ondine-Hirschsprung disease. Identifiers: Orphanet 99803, MedGen C1859049, MONDO:0020493.

gnomAD v4.1: 2 of 1,429,066 alleles (0.00014%); highest among the groups gnomAD compares: East Asian, 0.0028%; no homozygotes.

Submissions (2):

Ambry Genetics
Classification: Uncertain significance for Hereditary cancer-predisposing syndrome. Last evaluated: 2024-11-26. Review status: criteria provided, single submitter. Criteria: Ambry Variant Classification Scheme 2023. Collection method: clinical testing. Allele origin: germline.
Comment: The p.A227E variant (also known as c.680C>A), located in coding exon 3 of the PHOX2B gene, results from a C to A substitution at nucleotide position 680. The alanine at codon 227 is replaced by glutamic acid, an amino acid with dissimilar properties. This amino acid position is conserved. In addition, this alteration is predicted to be tolerated by in silico analysis. Based on the available evidence, the clinical significance of this variant remains unclear.

Labcorp Genetics (formerly Invitae), Labcorp
Classification: Uncertain significance for Haddad syndrome. Last evaluated: 2021-09-14. Review status: criteria provided, single submitter. Criteria: Invitae Variant Classification Sherloc (09022015). Collection method: clinical testing. Allele origin: germline.
Comment: This sequence change replaces alanine with glutamic acid at codon 227 of the PHOX2B protein (p.Ala227Glu). The alanine residue is moderately conserved and there is a moderate physicochemical difference between alanine and glutamic acid. While this variant is present in population databases (rs779913205), the frequency information is unreliable, as metrics indicate poor data quality at this position in the ExAC database. This variant has not been reported in the literature in individuals affected with PHOX2B-related conditions. Algorithms developed to predict the effect of missense changes on protein structure and function are either unavailable or do not agree on the potential impact of this missense change (SIFT: "Deleterious"; PolyPhen-2: "Not Available"; Align-GVGD: "Class C0"). In summary, the available evidence is currently insufficient to determine the role of this variant in disease. Therefore, it has been classified as a Variant of Uncertain Significance.